The following is an entry in ClinVar:

NM_024996.7(GFM1):c.667A>G (p.Ile223Val)

Gene: GFM1 (G elongation factor mitochondrial 1; plus strand). Cytogenetic location: 3q25.32.
Variant type: single nucleotide variant.
Coding change: c.667A>G on transcript NM_024996.7 (MANE Select); coding-DNA position 667, A replaced by G.
Protein change: p.Ile223Val; replaces isoleucine 223 with valine.
Molecular consequence: missense variant. On other transcripts: non-coding transcript variant (2), intron variant (3).
Genome position (GRCh38, 1-based): chr3:158,649,135, A>G. VCF-style: chr3-158649135-A-G. GRCh37 (hg19) VCF-style: chr3-158366924-A-G.
Other names: c.667A>G, p.Ile223Val (NM_001308164.2, NM_001308166.2, NM_001374355.1); c.442A>G, p.Ile148Val (NM_001374357.1); c.100A>G, p.Ile34Val (NM_001374359.1, NM_001374360.1); c.572+2188A>G (NM_001374356.1); c.6-2961A>G (NM_001374361.1); c.235-2965A>G (NM_001374358.1); c.667A>G (NM_001308164.1); short protein forms I148V, I223V, I34V.
Identifiers: ClinVar variation 742145 (VCV000742145.16), dbSNP rs143446452, ClinGen allele CA2682381.
Genomic context (GRCh38, chr3:158,649,135, plus strand): 5'-ATACCCATGGGTTTGGAGGGTAATTTTAAAGGTATTGTAGATCTTATTGAGGAACGAGCC[A>G]TCTATTTTGATGGAGACTTTGGGTAAGTGCTAAAAATACATTATTAAAATTTTAAATTTT-3'
Protein context (NP_079272.4, residues 213-233): GIVDLIEERA[Ile223Val]YFDGDFGQIV

ClinVar aggregate classification (germline): Conflicting classifications of pathogenicity. Review status: criteria provided, conflicting classifications (1 of 4 stars). 4 submissions from 4 submitters: Uncertain significance (1); Likely benign (1). 2 of the submissions do not count toward it. Last evaluated 2025-12-07.

Conditions:
GFM1-related disorder. Also called: GFM1-related condition.
Hepatoencephalopathy due to combined oxidative phosphorylation defect type 1. Also called: HEPATOENCEPHALOPATHY, EARLY FATAL PROGRESSIVE. Identifiers: Orphanet 137681, MedGen C1836797, MONDO:0012191, OMIM 609060.

Allele frequency attached by ClinVar (database versions not stated): 1000 Genomes Project 30x 0.00016; gnomAD exomes 0.00016; 1000 Genomes Project 0.00020; ExAC 0.00021; TOPMed 0.00063; ESP Exome Variant Server 0.00069; gnomAD 0.00078 and 0.00081.
gnomAD v4.1: 174 of 1,435,340 alleles (0.012%); highest among the groups gnomAD compares: African/African-American, 0.23%; 1 homozygote.

Submissions (4):

Labcorp Genetics (formerly Invitae), Labcorp
Classification: Likely benign. Last evaluated: 2025-12-07. Review status: criteria provided, single submitter. Criteria: Invitae Variant Classification Sherloc (09022015). Collection method: clinical testing. Allele origin: germline.

GeneDx
Classification: Uncertain significance. Last evaluated: 2023-04-27. Review status: criteria provided, single submitter. Criteria: GeneDx Variant Classification Process June 2021. Collection method: clinical testing. Allele origin: germline. Affected: yes.
Comment: In silico analysis supports that this missense variant does not alter protein structure/function; Has not been previously published as pathogenic or benign to our knowledge

PreventionGenetics, part of Exact Sciences
Classification: Likely benign for GFM1-related condition. Last evaluated: 2020-02-25. Review status: no assertion criteria provided. Collection method: clinical testing. Allele origin: germline. Not counted in ClinVar's aggregate classification.
Comment: This variant is classified as likely benign based on ACMG/AMP sequence variant interpretation guidelines (Richards et al. 2015 PMID: 25741868, with internal and published modifications).

Natera, Inc.
Classification: Uncertain significance for Combined oxidative phosphorylation deficiency 1. Last evaluated: 2020-01-07. Review status: no assertion criteria provided. Collection method: clinical testing. Allele origin: germline. Not counted in ClinVar's aggregate classification.